The following continues an entry in ClinVar:

NM_001370658.1(BTD):c.1270G>C (p.Asp424His)

Gene: BTD. ClinVar aggregate classification (germline): Conflicting classifications of pathogenicity. Pathogenic (45); Likely pathogenic (7); Uncertain significance (1).

Submissions 55 to 61 of 61:

Division of Human Genetics, Children's Hospital of Philadelphia
Classification: Pathogenic for Biotinidase deficiency. Last evaluated: 2016-06-10. Review status: no assertion criteria provided. Collection method: research. Allele origin: germline. Study: CSER-PediSeq. Not counted in ClinVar's aggregate classification.

Counsyl
Classification: Pathogenic for Biotinidase deficiency. Last evaluated: 2014-10-13. Review status: no assertion criteria provided. Collection method: literature only. Allele origin: unknown. Inheritance: Autosomal recessive inheritance. Not counted in ClinVar's aggregate classification.

Department of Pathology and Laboratory Medicine, Sinai Health System
Classification: Pathogenic. Review status: no assertion criteria provided. Collection method: clinical testing. Allele origin: unknown. Affected: yes. Study: The Canadian Open Genetics Repository (COGR). Not counted in ClinVar's aggregate classification.
Comment: The BTD p.Asp444His variant is a well-known variant that causes partial Biotinidase (BTD) Deficiency (10-30% of normal enzyme activity) when found in the compound heterozygous state with a severe BTD mutation (Hymes_2001_PMID: 11668630). In addition, when the D444H variant is found on the same allele as A171T (double mutant), it is considered a pathogenic allele and can lead to profound BTD deficiency when found in the compound heterozygous state with another pathogenic allele (Norrgard_1998_PMID: 10206677). The variant was identified in dbSNP (ID: rs13078881), ClinVar (reported as pathogenic (11x), likely pathogenic (1x) and uncertain significance (1x)), Clinvitae and LOVD 3.0, but was not identified in the Cosmic or MutDB databases. The variant was identified in control databases in 9005 of 282830 chromosomes (199 homozygous) at a frequency of 0.031839 (Genome Aggregation Database Feb 27, 2017). The variant was observed in the following populations: European (Finnish) in 1396 of 25118 chromosomes (freq: 0.05558), European (non-Finnish) in 5119 of 129150 chromosomes (freq: 0.03964), South Asian in 1129 of 30616 chromosomes (freq: 0.03688), Ashkenazi Jewish in 340 of 10368 chromosomes (freq: 0.03279), Other in 217 of 7222 chromosomes (freq: 0.03005), Latino in 643 of 35436 chromosomes (freq: 0.01815), African in 159 of 24966 chromosomes (freq: 0.006369), and East Asian in 2 of 19954 chromosomes (freq: 0.0001). Liu et al. (2018) recently found that the D444H variant results in a decrease in protein expression with no loss of enzyme activity (Liu_2018_PMID: 29359854). Other studies have found 50% of normal BTD enzyme activity with one D444H allele present 25% activity with two D444H alleles present (Cowan_2010_PMID: 20539236), therefore indicating the effect of this variant on the protein. In summary, this variant is considered a hypomorphic allele and in combination with other variants in cis or trans, may result in reduced enzyme activity. Based on the above information this variant meets our laboratoryâ€šÃ„Ã´s criteria to be classified as pathogenic.

GeneReviews
No classification provided. Condition: Biotinidase deficiency. Review status: no classification provided. Collection method: literature only. Allele origin: unknown. Not counted in ClinVar's aggregate classification.

Molecular Biology Laboratory, Department of Zoology, Quaid-i-azam University
Classification: Pathogenic for Biotinidase deficiency. Review status: no assertion criteria provided. Collection method: research. Allele origin: inherited. Inheritance: Autosomal recessive inheritance. Affected: yes. Not counted in ClinVar's aggregate classification.

SingHealth Duke-NUS Institute of Precision Medicine
Classification: Uncertain significance for Biotinidase deficiency. Last evaluated: 2017-06-07. Review status: flagged submission. Collection method: curation. Allele origin: germline. Affected: no. Not counted in ClinVar's aggregate classification.
ClinVar note: Reason: Claim with insufficient supporting evidence

Suma Genomics
Classification: Uncertain significance for Biotinidase deficiency. Review status: flagged submission. Criteria: ACMG Guidelines, 2015. Collection method: clinical testing. Allele origin: inherited. Inheritance: Autosomal recessive inheritance. Affected: yes. Not counted in ClinVar's aggregate classification.
ClinVar note: Reason: Outlier claim with insufficient supporting evidence

Literature cited by the submitters: PubMed 28682309 (cited by 3 submitters); PubMed 9654207 (cited by 11 submitters); PubMed 10206677 (cited by 10 submitters); PubMed 12227467 (cited by 4 submitters); PubMed 23644139 (cited by 3 submitters); PubMed 20539236 (cited by 3 submitters); PubMed 33312878 (cited by 3billion and Quest Diagnostics Nichols Institute San Juan Capistrano); PubMed 25174816 (cited by Natera, Inc.); PubMed 26810761 (cited by Natera, Inc. and Women's Health and Genetics/Laboratory Corporation of America, LabCorp); PubMed 29353266 (cited by 3 submitters); PubMed 20301497 (cited by 4 submitters); PubMed 28498829 (cited by Victorian Clinical Genetics Services, Murdoch Childrens Research Institute and Quest Diagnostics Nichols Institute San Juan Capistrano); PubMed 31337602 (cited by 6 submitters); PubMed 34374989 (cited by Quest Diagnostics Nichols Institute San Juan Capistrano); PubMed 22975760 (cited by Quest Diagnostics Nichols Institute San Juan Capistrano and Division of Human Genetics, Children's Hospital of Philadelphia); PubMed 10400129 (cited by 4 submitters); PubMed 20556795 (cited by Quest Diagnostics Nichols Institute San Juan Capistrano and Illumina Laboratory Services, Illumina); PubMed 20549359 (cited by Ambry Genetics and Counsyl); PubMed 29359854 (cited by 4 submitters); PubMed 27845546 (cited by Dasa); PubMed 11668630 (cited by Dasa); PubMed 31208052 (cited by Dasa); PubMed 27329734 (cited by Women's Health and Genetics/Laboratory Corporation of America, LabCorp); PubMed 20981092 (cited by Division of Human Genetics, Children's Hospital of Philadelphia and Counsyl); PubMed 21228398 (cited by Division of Human Genetics, Children's Hospital of Philadelphia and Counsyl); PubMed 22995991 (cited by Division of Human Genetics, Children's Hospital of Philadelphia); PubMed 25333069 (cited by Division of Human Genetics, Children's Hospital of Philadelphia); PubMed 24525934 (cited by Division of Human Genetics, Children's Hospital of Philadelphia); PubMed 25087612 (cited by Division of Human Genetics, Children's Hospital of Philadelphia); PubMed 12618081 (cited by Counsyl); PubMed 11313766 (cited by Counsyl); PubMed 15776412 (cited by Counsyl); PubMed 14628140 (cited by Counsyl); PubMed 10801053 (cited by Counsyl); PubMed 9375914 (cited by GeneReviews); NCBI Bookshelf NBK1322 (cited by GeneReviews).